The following is an entry in ClinVar:

ClinVar aggregate classification (germline): Likely benign. Review status: criteria provided, multiple submitters, no conflicts (2 of 4 stars). 2 submissions from 2 submitters: Likely benign (2). Last evaluated 2025-07-23.

Conditions:
Ataxia-telangiectasia syndrome (AT). Also called: Cerebello-oculocutaneous telangiectasia; Immunodeficiency with ataxia telangiectasia; Ataxia-telangiectasia, complementation group E; Ataxia-telangiectasia, complementation group D; AT, COMPLEMENTATION GROUP C; ATAXIA-TELANGIECTASIA, COMPLEMENTATION GROUP A. Identifiers: Orphanet 100, MedGen C0004135, MONDO:0008840, OMIM 208900.

gnomAD v4.1: 3 of 1,518,922 alleles (0.0002%); highest among the groups gnomAD compares: Admixed American, 0.0034%; no homozygotes.

Submissions (2):

Labcorp Genetics (formerly Invitae), Labcorp
Classification: Likely benign for Ataxia-telangiectasia syndrome. Last evaluated: 2025-07-23. Review status: criteria provided, single submitter. Criteria: Invitae Variant Classification Sherloc (09022015). Collection method: clinical testing. Allele origin: germline.

GeneDx
Classification: Likely benign. Last evaluated: 2017-06-09. Review status: criteria provided, single submitter. Criteria: GeneDx Variant Classification (06012015). Collection method: clinical testing. Allele origin: germline. Affected: yes.
Comment: This variant is considered likely benign or benign based on one or more of the following criteria: it is a conservative change, it occurs at a poorly conserved position in the protein, it is predicted to be benign by multiple in silico algorithms, and/or has population frequency not consistent with disease.

NM_000051.4(ATM):c.6452+17A>C

Genes: ATM (ATM serine/threonine kinase; plus strand), C11orf65 (chromosome 11 open reading frame 65; minus strand). Cytogenetic location: 11q22.3.
Variant type: single nucleotide variant.
Coding change: c.6452+17A>C on transcript NM_000051.4 (MANE Select); 17 bases into the intron after coding-DNA position 6452, A replaced by C.
Molecular consequence: intron variant.
Genome position (GRCh38, 1-based): chr11:108,320,075, A>C. VCF-style: chr11-108320075-A-C. GRCh37 (hg19) VCF-style: chr11-108190802-A-C.
Other names: c.6452+17A>C (NM_001351834.2); c.641-11004T>G (NM_001330368.2); c.*39-11004T>G (NM_001351110.2).
Identifiers: ClinVar variation 518018 (VCV000518018.7), dbSNP rs371044809, ClinGen allele CA601725514.